The following is an entry in ClinVar:

NM_001904.4(CTNNB1):c.735-1G>C

Gene: CTNNB1 (catenin beta 1; plus strand). Cytogenetic location: 3p22.1.
Variant type: single nucleotide variant.
Coding change: c.735-1G>C on transcript NM_001904.4 (MANE Select); the canonical splice acceptor site of the intron before coding-DNA position 735, G replaced by C.
Molecular consequence: splice acceptor variant.
Genome position (GRCh38, 1-based): chr3:41,225,659, G>C. VCF-style: chr3-41225659-G-C. GRCh37 (hg19) VCF-style: chr3-41267150-G-C.
Other names: c.714-1G>C (NM_001330729.2); c.735-1G>C (NM_001098209.2, NM_001098210.2).
Identifiers: ClinVar variation 1685682 (VCV001685682.2), dbSNP rs2125623951, ClinGen allele CA352229991.

ClinVar aggregate classification (germline): Pathogenic. Review status: criteria provided, multiple submitters, no conflicts (2 of 4 stars). 2 submissions from 2 submitters: Pathogenic (2). Last evaluated 2025-05-11.

Conditions:
Colorectal cancer. Also called: Colorectal cancer, somatic; Malignant Colorectal Neoplasm. Identifiers: MedGen C0346629, MONDO:0005575, OMIM 114500.

Submissions (2):

GeneDx
Classification: Pathogenic. Last evaluated: 2025-05-11. Review status: criteria provided, single submitter. Criteria: GeneDx Variant Classification Process June 2021. Collection method: clinical testing. Allele origin: germline. Affected: yes.
Comment: Canonical splice site variant predicted to result in a null allele in a gene for which loss of function is a known mechanism of disease; Not observed at significant frequency in large population cohorts (gnomAD); Has not been previously published as pathogenic or benign to our knowledge

Mendelics
Classification: Pathogenic for Colorectal cancer. Last evaluated: 2022-05-04. Review status: criteria provided, single submitter. Criteria: Mendelics Assertion Criteria 2019. Collection method: clinical testing. Allele origin: germline.